The following is an entry in ClinVar:

NM_000352.6(ABCC8):c.2887G>C (p.Asp963His)

Gene: ABCC8 (ATP binding cassette subfamily C member 8; minus strand). Cytogenetic location: 11p15.1.
Variant type: single nucleotide variant.
Coding change: c.2887G>C on transcript NM_000352.6 (MANE Select); coding-DNA position 2887, G replaced by C.
Protein change: p.Asp963His; replaces aspartic acid 963 with histidine.
Molecular consequence: missense variant. On other transcripts: non-coding transcript variant (1).
Genome position (GRCh38, 1-based): chr11:17,407,387, C>G on the plus strand (G>C on the coding strand, the complement: ABCC8 is on the minus strand). VCF-style: chr11-17407387-C-G. GRCh37 (hg19) VCF-style: chr11-17428934-C-G.
Other names: c.2890G>C, p.Asp964His (NM_001287174.3); c.2953G>C, p.Asp985His (NM_001351295.2); c.2887G>C, p.Asp963His (NM_001351296.2); c.2884G>C, p.Asp962His (NM_001351297.2); short protein forms D985H, D963H, D964H, D962H.
Identifiers: ClinVar variation 2009899 (VCV002009899.2), dbSNP rs2496535256, ClinGen allele CA379804673.

ClinVar aggregate classification (germline): Uncertain significance (1 of 4 stars; one submission).

Allele frequency attached by ClinVar (database versions not stated): gnomAD exomes 0.00001.
gnomAD v4.1: 5 of 1,614,184 alleles (0.00031%); highest among the groups gnomAD compares: Non-Finnish European, 0.00042%; no homozygotes.

Submission:

Labcorp Genetics (formerly Invitae), Labcorp
Classification: Uncertain significance. Last evaluated: 2022-06-23. Review status: criteria provided, single submitter. Criteria: Invitae Variant Classification Sherloc (09022015). Collection method: clinical testing. Allele origin: germline.
Comment: In summary, the available evidence is currently insufficient to determine the role of this variant in disease. Therefore, it has been classified as a Variant of Uncertain Significance. Advanced modeling of protein sequence and biophysical properties (such as structural, functional, and spatial information, amino acid conservation, physicochemical variation, residue mobility, and thermodynamic stability) performed at Invitae indicates that this missense variant is not expected to disrupt ABCC8 protein function. This variant has not been reported in the literature in individuals affected with ABCC8-related conditions. This variant is not present in population databases (gnomAD no frequency). This sequence change replaces aspartic acid, which is acidic and polar, with histidine, which is basic and polar, at codon 963 of the ABCC8 protein (p.Asp963His).